The following is an entry in ClinVar:

NM_004656.4(BAP1):c.1485G>A (p.Thr495=)

Gene: BAP1 (BRCA1 associated deubiquitinase 1; minus strand). Cytogenetic location: 3p21.1.
Variant type: single nucleotide variant.
Coding change: c.1485G>A on transcript NM_004656.4 (MANE Select); coding-DNA position 1485, G replaced by A.
Protein change: p.Thr495=; no amino-acid change (threonine 495 retained).
Molecular consequence: synonymous variant.
Genome position (GRCh38, 1-based): chr3:52,403,660, C>T on the plus strand (G>A on the coding strand, the complement: BAP1 is on the minus strand). VCF-style: chr3-52403660-C-T. GRCh37 (hg19) VCF-style: chr3-52437676-C-T.
Identifiers: ClinVar variation 417274 (VCV000417274.20), dbSNP rs368369242, ClinGen allele CA2436794.

ClinVar aggregate classification (germline): Benign/Likely benign. Review status: criteria provided, multiple submitters, no conflicts (2 of 4 stars). 5 submissions from 5 submitters: Benign (1); Likely benign (3). 1 of the submissions does not count toward it. Last evaluated 2026-01-31.

Conditions:
BAP1-related disorder. Also called: BAP1-related condition.
BAP1-related tumor predisposition syndrome (TPDS1). Also called: BAP1 tumor predisposition syndrome; Tumor susceptibility linked to germline BAP1 mutations; COMMON Syndrome; TUMOR PREDISPOSITION SYNDROME 1. Identifiers: Orphanet 289539, MedGen C3280492, MONDO:0013692, OMIM 614327.
Hereditary cancer-predisposing syndrome. Also called: Tumor predisposition; Neoplastic Syndromes, Hereditary; Hereditary neoplastic syndrome; Hereditary Cancer Syndrome. Identifiers: Orphanet 140162, MedGen C0027672, MeSH D009386, MONDO:0015356.

Allele frequency attached by ClinVar (database versions not stated): gnomAD 0.00002; gnomAD exomes 0.00002 and 0.00004; TOPMed 0.00003; ESP Exome Variant Server 0.00008.
gnomAD v4.1: 55 of 1,613,406 alleles (0.0034%); highest among the groups gnomAD compares: South Asian, 0.0066%; no homozygotes.

Submissions (5):

Labcorp Genetics (formerly Invitae), Labcorp
Classification: Likely benign for BAP1-related tumor predisposition syndrome. Last evaluated: 2026-01-31. Review status: criteria provided, single submitter. Criteria: Invitae Variant Classification Sherloc (09022015). Collection method: clinical testing. Allele origin: germline.

Myriad Genetics, Inc.
Classification: Benign for BAP1-related tumor predisposition syndrome. Last evaluated: 2024-07-16. Review status: criteria provided, single submitter. Criteria: Myriad Autosomal Dominant, Autosomal Recessive and X-Linked Classification Criteria (2023). Collection method: clinical testing. Allele origin: unknown.
Comment: This variant is considered benign. This variant is a silent/synonymous amino acid change and it is not expected to impact splicing.

Ambry Genetics
Classification: Likely benign for Hereditary cancer-predisposing syndrome. Last evaluated: 2019-05-16. Review status: criteria provided, single submitter. Criteria: Ambry Variant Classification Scheme 2023. Collection method: clinical testing. Allele origin: germline.

Color Diagnostics, LLC DBA Color Health
Classification: Likely benign for Hereditary cancer-predisposing syndrome. Last evaluated: 2018-02-08. Review status: criteria provided, single submitter. Criteria: ACMG Guidelines, 2015. Collection method: clinical testing. Allele origin: germline.

PreventionGenetics, part of Exact Sciences
Classification: Likely benign for BAP1-related condition. Last evaluated: 2022-04-05. Review status: no assertion criteria provided. Collection method: clinical testing. Allele origin: germline. Not counted in ClinVar's aggregate classification.
Comment: This variant is classified as likely benign based on ACMG/AMP sequence variant interpretation guidelines (Richards et al. 2015 PMID: 25741868, with internal and published modifications).